The following is an entry in ClinVar:

ClinVar aggregate classification (germline): Pathogenic (1 of 4 stars; one submission).

Submission:

Labcorp Genetics (formerly Invitae), Labcorp
Classification: Pathogenic. Last evaluated: 2022-05-22. Review status: criteria provided, single submitter. Criteria: Invitae Variant Classification Sherloc (09022015). Collection method: clinical testing. Allele origin: germline.
Comment: For these reasons, this variant has been classified as Pathogenic. This premature translational stop signal has been observed in individual(s) with USH2A-related conditions (PMID: 23526569). This variant is not present in population databases (gnomAD no frequency). This sequence change creates a premature translational stop signal (p.Glu771Lysfs*17) in the USH2A gene. It is expected to result in an absent or disrupted protein product. Loss-of-function variants in USH2A are known to be pathogenic (PMID: 10729113, 10909849, 20507924, 25649381).

Literature cited by the submitters: PubMed 23526569; PubMed 10729113; PubMed 10909849; PubMed 20507924; PubMed 25649381.

NM_206933.4(USH2A):c.2310del (p.Glu771fs)

Genes: USH2A (usherin; minus strand), LOC122152296 (Sharpr-MPRA regulatory region 8762; plus strand). Cytogenetic location: 1q41.
Variant type: Deletion.
Coding change: c.2310del on transcript NM_206933.4 (MANE Select); coding-DNA position 2310, one base deleted (A; older notation c.2310delA).
Protein change: p.Glu771fs; shifts the reading frame from glutamic acid 771.
Molecular consequence: frameshift variant.
Genome position (GRCh38, 1-based): chr1:216,247,084, T deleted on the plus strand (A on the coding strand, the reverse complement: USH2A is on the minus strand); the first of 6 consecutive T bases (chr1:216,247,084-216,247,089); deleting any one gives the same sequence. VCF-style (leftmost placement, unchanged base first): chr1-216247083-CT-C. GRCh37 (hg19) VCF-style: chr1-216420425-CT-C.
Other names: c.2310del, p.Glu771fs (NM_007123.6); short protein forms E771fs.
Identifiers: ClinVar variation 2202974 (VCV002202974.4), dbSNP rs2036065933, ClinGen allele CA645515383.